The following is an entry in ClinVar:

NM_004304.5(ALK):c.3736A>C (p.Ile1246Leu)

Gene: ALK (ALK receptor tyrosine kinase; minus strand). Cytogenetic location: 2p23.2.
Variant type: single nucleotide variant.
Coding change: c.3736A>C on transcript NM_004304.5 (MANE Select); coding-DNA position 3736, A replaced by C.
Protein change: p.Ile1246Leu; replaces isoleucine 1246 with leucine.
Molecular consequence: missense variant.
Genome position (GRCh38, 1-based): chr2:29,213,991, T>G on the plus strand (A>C on the coding strand, the complement: ALK is on the minus strand). VCF-style: chr2-29213991-T-G. GRCh37 (hg19) VCF-style: chr2-29436857-T-G.
Other names: c.532A>C, p.Ile178Leu (NM_001353765.2); short protein forms I1246L, I178L.
Identifiers: ClinVar variation 3286531 (VCV003286531.1).

ClinVar aggregate classification (germline): Uncertain significance (1 of 4 stars; one submission).

Conditions:
Hereditary cancer-predisposing syndrome. Also called: Tumor predisposition; Hereditary Cancer Syndrome; Hereditary neoplastic syndrome; Neoplastic Syndromes, Hereditary. Identifiers: Orphanet 140162, MedGen C0027672, MeSH D009386, MONDO:0015356.

Submission:

Ambry Genetics
Classification: Uncertain significance for Hereditary cancer-predisposing syndrome. Last evaluated: 2024-06-15. Review status: criteria provided, single submitter. Criteria: Ambry Variant Classification Scheme 2023. Collection method: clinical testing. Allele origin: germline.
Comment: The p.I1246L variant (also known as c.3736A>C), located in coding exon 24 of the ALK gene, results from an A to C substitution at nucleotide position 3736. The isoleucine at codon 1246 is replaced by leucine, an amino acid with highly similar properties. This amino acid position is conserved. In addition, the in silico prediction for this alteration is inconclusive. Based on the available evidence, the clinical significance of this variant remains unclear.